The following is an entry in ClinVar:

ClinVar aggregate classification (germline): Uncertain significance (1 of 4 stars; one submission).

Conditions:
Malignant hyperthermia, susceptibility to, 1 (MHS1). Also called: Anesthesia related hyperthermia; Malignant hyperpyrexia; Fulminating hyperpyrexia; Pharmacogenic myopathy; RYR1-Related Malignant Hyperthermia Susceptibility; Malignant hyperthermia suceptibility 1. Identifiers: Orphanet 423, MedGen C2930980, MONDO:0007783, OMIM 145600.

Submission:

All of Us Research Program, National Institutes of Health
Classification: Uncertain significance for Malignant hyperthermia, susceptibility to, 1. Last evaluated: 2023-08-08. Review status: criteria provided, single submitter. Criteria: ACMG Guidelines, 2015. Collection method: clinical testing. Allele origin: germline. Inheritance: Autosomal dominant inheritance. Observed: 1 variant allele, 1 heterozygote.
Comment: This variant causes an A to C nucleotide substitution at the +4 position of intron 56 of the RYR1 gene. To our knowledge, functional studies have not been reported for this variant. This variant has not been reported in individuals affected with RYR1-related disorders in the literature. This variant has not been identified in the general population by the Genome Aggregation Database (gnomAD). The available evidence is insufficient to determine the role of this variant in disease conclusively. Therefore, this variant is classified as a Variant of Uncertain Significance.

This study involves interpretation of variants in research participants for the purpose of population health screening. Participant phenotype was not available at the time of variant classification. Additional details can be found in publication PMID: 35346344, PMCID: PMC8962531

NM_000540.3(RYR1):c.8692+4A>C

Gene: RYR1 (ryanodine receptor 1; plus strand). Cytogenetic location: 19q13.2.
Variant type: single nucleotide variant.
Coding change: c.8692+4A>C on transcript NM_000540.3 (MANE Select); 4 bases into the intron after coding-DNA position 8692, A replaced by C.
Molecular consequence: intron variant.
Genome position (GRCh38, 1-based): chr19:38,506,550, A>C. VCF-style: chr19-38506550-A-C. GRCh37 (hg19) VCF-style: chr19-38997190-A-C.
Other names: c.8692+4A>C (NM_001042723.2).
Identifiers: ClinVar variation 3072601 (VCV003072601.1), dbSNP rs2514367750, ClinGen allele CA2825002794.